The following is an entry in ClinVar:

ClinVar aggregate classification (germline): Benign/Likely benign. Review status: criteria provided, multiple submitters, no conflicts (2 of 4 stars). 6 submissions from 6 submitters: Benign (5); Likely benign (1). Last evaluated 2026-02-01.

Conditions:
Imerslund-Grasbeck syndrome. Also called: ENTEROCYTE COBALAMIN MALABSORPTION; ENTEROCYTE INTRINSIC FACTOR RECEPTOR, DEFECT OF; Imerslund-Gräsbeck syndrome; PERNICIOUS ANEMIA, JUVENILE, DUE TO SELECTIVE INTESTINAL MALABSORPTION OF VITAMIN B12, WITH PROTEINURIA; Megaloblastic anemia due to inborn errors of metabolism. Identifiers: Orphanet 35858, MedGen C4551825, MONDO:0009853.
Imerslund-Grasbeck syndrome type 1 (IGS1). Also called: Megaloblastic anemia 1, Finnish type; MEGALOBLASTIC ANEMIA, 1; Imerslund-Gräsbeck syndrome 1. Identifiers: MedGen C4016819, MONDO:0100156, OMIM 261100.

Allele frequency attached by ClinVar (database versions not stated): gnomAD exomes 0.04161 and 0.05389; ExAC 0.05797; ESP Exome Variant Server 0.08173; gnomAD 0.08230 and 0.08317; TOPMed 0.08749; 1000 Genomes Project 30x 0.10618; 1000 Genomes Project 0.10643.
gnomAD v4.1: 74,004 of 1,614,024 alleles (4.6%); highest among the groups gnomAD compares: African/African-American, 19%; 3,003 homozygotes.

Submissions (6):

Labcorp Genetics (formerly Invitae), Labcorp
Classification: Benign for Imerslund-Grasbeck syndrome. Last evaluated: 2026-02-01. Review status: criteria provided, single submitter. Criteria: Invitae Variant Classification Sherloc (09022015). Collection method: clinical testing. Allele origin: germline.

Blueprint Genetics
Classification: Likely benign. Last evaluated: 2024-11-27. Review status: criteria provided, single submitter. Criteria: ACMG Guidelines, 2015. Collection method: clinical testing. Allele origin: germline.

Mayo Clinic Laboratories, Mayo Clinic
Classification: Benign. Last evaluated: 2023-04-03. Review status: criteria provided, single submitter. Criteria: ACMG Guidelines, 2015. Collection method: clinical testing. Allele origin: germline. Observed: 32 variant alleles.

GeneDx
Classification: Benign. Last evaluated: 2018-10-01. Review status: criteria provided, single submitter. Criteria: GeneDx Variant Classification Process June 2021. Collection method: clinical testing. Allele origin: germline. Affected: yes.

Illumina Laboratory Services, Illumina
Classification: Benign for Imerslund-Grasbeck syndrome type 1. Last evaluated: 2018-01-13. Review status: criteria provided, single submitter. Criteria: ICSL Variant Classification Criteria 13 December 2019. Collection method: clinical testing. Allele origin: germline.
Comment: This variant was observed in the ICSL laboratory as part of a predisposition screen in an ostensibly healthy population. It had not been previously curated by ICSL or reported in the Human Gene Mutation Database (HGMD: prior to June 1st, 2018), and was therefore a candidate for classification through an automated scoring system. Utilizing variant allele frequency, disease prevalence and penetrance estimates, and inheritance mode, an automated score was calculated to assess if this variant is too frequent to cause the disease. Based on the score and internal cut-off values, a variant classified as benign is not then subjected to further curation. The score for this variant resulted in a classification of benign for this disease.

Breakthrough Genomics
Classification: Benign. Review status: criteria provided, single submitter. Criteria: ACMG Guidelines, 2015. Collection method: not provided. Allele origin: germline. Inheritance: Autosomal recessive inheritance. Affected: yes.

NM_001081.4(CUBN):c.7662A>G (p.Pro2554=)

Gene: CUBN (cubilin; minus strand). Cytogenetic location: 10p13.
Variant type: single nucleotide variant.
Coding change: c.7662A>G on transcript NM_001081.4 (MANE Select); coding-DNA position 7662, A replaced by G.
Protein change: p.Pro2554=; no amino-acid change (proline 2554 retained).
Molecular consequence: synonymous variant.
Genome position (GRCh38, 1-based): chr10:16,907,551, T>C on the plus strand (A>G on the coding strand, the complement: CUBN is on the minus strand). VCF-style: chr10-16907551-T-C. GRCh37 (hg19) VCF-style: chr10-16949550-T-C.
Other names: p.Pro2554=.
Identifiers: ClinVar variation 299420 (VCV000299420.19), dbSNP rs3740165, ClinGen allele CA5423288.